The following is an entry in ClinVar:

NM_000384.3(APOB):c.10351A>C (p.Lys3451Gln)

Gene: APOB (apolipoprotein B; minus strand). Cytogenetic location: 2p24.1.
Variant type: single nucleotide variant.
Coding change: c.10351A>C on transcript NM_000384.3 (MANE Select); coding-DNA position 10351, A replaced by C.
Protein change: p.Lys3451Gln; replaces lysine 3451 with glutamine.
Molecular consequence: missense variant.
Genome position (GRCh38, 1-based): chr2:21,006,517, T>G on the plus strand (A>C on the coding strand, the complement: APOB is on the minus strand). VCF-style: chr2-21006517-T-G. GRCh37 (hg19) VCF-style: chr2-21229389-T-G.
Other names: short protein forms K3451Q.
Identifiers: ClinVar variation 925284 (VCV000925284.7), dbSNP rs769074061, ClinGen allele CA043268.

ClinVar aggregate classification (germline): Uncertain significance. Review status: criteria provided, multiple submitters, no conflicts (2 of 4 stars). 2 submissions from 2 submitters: Uncertain significance (2). Last evaluated 2025-06-10.

Conditions:
Cardiovascular phenotype. Identifiers: MedGen CN230736.

Allele frequency attached by ClinVar (database versions not stated): ExAC 0.00002; gnomAD exomes 0.00002 and 0.00001.

Submissions (2):

Ambry Genetics
Classification: Uncertain significance for Cardiovascular phenotype. Last evaluated: 2025-06-10. Review status: criteria provided, single submitter. Criteria: Ambry Variant Classification Scheme 2023. Collection method: clinical testing. Allele origin: germline.
Comment: The p.K3451Q variant (also known as c.10351A>C), located in coding exon 26 of the APOB gene, results from an A to C substitution at nucleotide position 10351. The lysine at codon 3451 is replaced by glutamine, an amino acid with similar properties. This amino acid position is conserved. In addition, the in silico prediction for this alteration is inconclusive. Since supporting evidence is limited at this time, the clinical significance of this alteration remains unclear.

ARUP Laboratories, Molecular Genetics and Genomics, ARUP Laboratories
Classification: Uncertain significance. Last evaluated: 2025-04-21. Review status: criteria provided, single submitter. Criteria: ARUP Molecular Germline Variant Investigation Process 2024. Collection method: clinical testing. Allele origin: germline.
Comment: The APOB c.10351A>C; p.Lys3451Gln variant (rs769074061) to our knowledge, is not reported in the medical literature but is reported in ClinVar (Variation ID: 925284). This variant is only observed on three alleles in the Genome Aggregation Database (v2.1.1), indicating it is not a common polymorphism. Computational analyses are uncertain whether this variant is neutral or deleterious (REVEL: 0.568). Due to limited information, the clinical significance of this variant is uncertain at this time.